The following is an entry in ClinVar:

NM_000136.3(FANCC):c.790A>G (p.Ser264Gly)

Genes: AOPEP (aminopeptidase O (putative); plus strand), FANCC (FA complementation group C; minus strand). Cytogenetic location: 9q22.32.
Variant type: single nucleotide variant.
Coding change: c.790A>G on transcript NM_000136.3 (MANE Select); coding-DNA position 790, A replaced by G.
Protein change: p.Ser264Gly; replaces serine 264 with glycine.
Molecular consequence: missense variant.
Genome position (GRCh38, 1-based): chr9:95,135,399, T>C on the plus strand (A>G on the coding strand, the complement: FANCC is on the minus strand). VCF-style: chr9-95135399-T-C. GRCh37 (hg19) VCF-style: chr9-97897681-T-C.
Other names: c.790A>G, p.Ser264Gly (NM_001243743.2, NM_001243744.2); short protein forms S264G.
Identifiers: ClinVar variation 220568 (VCV000220568.21), dbSNP rs111657009, ClinGen allele CA348836.
Genomic context (GRCh38, chr9:95,135,399, plus strand): 5'-TACGTACCAGCGATGAATCTTTTATAAAGCATTCGATCCTTCTCAGACAATTTCTCTCAC[T>C]GGAGATTAGCTTTTCAAAAAGATGCAGCATTGCTTTTTCAAGGCTGGGAAGGTGCCGAAG-3'
Protein context (NP_000127.2, residues 254-274): MLHLFEKLIS[Ser264Gly]ERNCLRRIEC

ClinVar aggregate classification (germline): Uncertain significance. Review status: criteria provided, multiple submitters, no conflicts (2 of 4 stars). 5 submissions from 5 submitters: Uncertain significance (4). 1 of the submissions does not count toward it. Last evaluated 2025-01-23.

Conditions:
Hereditary cancer-predisposing syndrome. Also called: Hereditary neoplastic syndrome; Tumor predisposition; Hereditary Cancer Syndrome; Neoplastic Syndromes, Hereditary. Identifiers: Orphanet 140162, MedGen C0027672, MeSH D009386, MONDO:0015356.
Fanconi anemia (FA). Also called: Fanconi's anemia. Identifiers: Orphanet 84, MedGen C0015625, MeSH D005199, MONDO:0019391.

Allele frequency attached by ClinVar (database versions not stated): ExAC 0.00001; TOPMed 0.00001; gnomAD 0.00002 and 0.00003; gnomAD exomes below 0.00001.
gnomAD v4.1: 6 of 1,614,044 alleles (0.00037%); highest among the groups gnomAD compares: African/African-American, 0.008%; no homozygotes.

Submissions (5):

GeneDx
Classification: Uncertain significance. Last evaluated: 2025-01-23. Review status: criteria provided, single submitter. Criteria: GeneDx Variant Classification Process June 2021. Collection method: clinical testing. Allele origin: germline. Affected: yes.
Comment: Not observed at significant frequency in large population cohorts (gnomAD); In silico analysis indicates that this missense variant does not alter protein structure/function; Has not been previously published as pathogenic or benign to our knowledge; This variant is associated with the following publications: (PMID: Gordon2000[Book])

Labcorp Genetics (formerly Invitae), Labcorp
Classification: Uncertain significance for Fanconi anemia. Last evaluated: 2022-07-30. Review status: criteria provided, single submitter. Criteria: Invitae Variant Classification Sherloc (09022015). Collection method: clinical testing. Allele origin: germline.
Comment: This sequence change replaces serine, which is neutral and polar, with glycine, which is neutral and non-polar, at codon 264 of the FANCC protein (p.Ser264Gly). This variant is present in population databases (rs111657009, gnomAD 0.004%). This variant has not been reported in the literature in individuals affected with FANCC-related conditions. ClinVar contains an entry for this variant (Variation ID: 220568). Algorithms developed to predict the effect of missense changes on protein structure and function (SIFT, PolyPhen-2, Align-GVGD) all suggest that this variant is likely to be tolerated. Algorithms developed to predict the effect of sequence changes on RNA splicing suggest that this variant may create or strengthen a splice site. In summary, the available evidence is currently insufficient to determine the role of this variant in disease. Therefore, it has been classified as a Variant of Uncertain Significance.

Ambry Genetics
Classification: Uncertain significance for Hereditary cancer-predisposing syndrome. Last evaluated: 2022-01-26. Review status: criteria provided, single submitter. Criteria: Ambry Variant Classification Scheme 2023. Collection method: clinical testing. Allele origin: germline.
Comment: The p.S264G variant (also known as c.790A>G), located in coding exon 7 of the FANCC gene, results from an A to G substitution at nucleotide position 790. The serine at codon 264 is replaced by glycine, an amino acid with similar properties. This amino acid position is not well conserved in available vertebrate species. In addition, this alteration is predicted to be tolerated by in silico analysis. Since supporting evidence is limited at this time, the clinical significance of this alteration remains unclear.

Quest Diagnostics Nichols Institute San Juan Capistrano
Classification: Uncertain significance. Last evaluated: 2021-08-03. Review status: criteria provided, single submitter. Criteria: Quest Diagnostics criteria. Collection method: clinical testing. Allele origin: unknown.

Natera, Inc.
Classification: Uncertain significance for Fanconi anemia. Last evaluated: 2018-10-31. Review status: no assertion criteria provided. Collection method: clinical testing. Allele origin: germline. Not counted in ClinVar's aggregate classification.